The following is an entry in ClinVar:

NM_198576.4(AGRN):c.4633G>A (p.Val1545Met)

Gene: AGRN (agrin; plus strand). Cytogenetic location: 1p36.33.
Variant type: single nucleotide variant.
Coding change: c.4633G>A on transcript NM_198576.4 (MANE Select); coding-DNA position 4633, G replaced by A.
Protein change: p.Val1545Met; replaces valine 1545 with methionine.
Molecular consequence: missense variant.
Genome position (GRCh38, 1-based): chr1:1,049,684, G>A. VCF-style: chr1-1049684-G-A. GRCh37 (hg19) VCF-style: chr1-985064-G-A.
Other names: c.4633G>A, p.Val1545Met (NM_001305275.2); c.4318G>A, p.Val1440Met (NM_001364727.2); short protein forms V1545M, V1440M.
Identifiers: ClinVar variation 965713 (VCV000965713.7), dbSNP rs369276144, ClinGen allele CA509556.

ClinVar aggregate classification (germline): Uncertain significance. Review status: criteria provided, multiple submitters, no conflicts (2 of 4 stars). 2 submissions from 2 submitters: Uncertain significance (2). Last evaluated 2024-12-04.

Conditions:
Congenital myasthenic syndrome 8. Also called: MYASTHENIC SYNDROME, CONGENITAL, DUE TO AGRIN DEFICIENCY; Myasthenic syndrome, congenital, 8, with pre- and postsynaptic defects. Identifiers: Orphanet 590, MedGen C3808739, MONDO:0014052, OMIM 615120.
Inborn genetic diseases. Identifiers: MedGen C0950123, MeSH D030342.

Allele frequency attached by ClinVar (database versions not stated): gnomAD exomes 0.00002; gnomAD 0.00003 and 0.00044; ExAC 0.00007; ESP Exome Variant Server 0.00008; 1000 Genomes Project 30x 0.00016; 1000 Genomes Project 0.00040; TOPMed 0.00100.
gnomAD v4.1: 89 of 1,573,584 alleles (0.0057%); highest among the groups gnomAD compares: Middle Eastern, 0.05%; 1 homozygote.

Submissions (2):

Labcorp Genetics (formerly Invitae), Labcorp
Classification: Uncertain significance for Congenital myasthenic syndrome 8. Last evaluated: 2024-12-04. Review status: criteria provided, single submitter. Criteria: Invitae Variant Classification Sherloc (09022015). Collection method: clinical testing. Allele origin: germline.
Comment: This sequence change replaces valine, which is neutral and non-polar, with methionine, which is neutral and non-polar, at codon 1545 of the AGRN protein (p.Val1545Met). The frequency data for this variant in the population databases is considered unreliable, as metrics indicate poor data quality at this position in the gnomAD database. This variant has not been reported in the literature in individuals affected with AGRN-related conditions. ClinVar contains an entry for this variant (Variation ID: 965713). An algorithm developed to predict the effect of missense changes on protein structure and function (PolyPhen-2) suggests that this variant is likely to be disruptive. In summary, the available evidence is currently insufficient to determine the role of this variant in disease. Therefore, it has been classified as a Variant of Uncertain Significance.

Ambry Genetics
Classification: Uncertain significance for Inborn genetic diseases. Last evaluated: 2024-02-02. Review status: criteria provided, single submitter. Criteria: Ambry Variant Classification Scheme 2023. Collection method: clinical testing. Allele origin: germline.